The following is an entry in ClinVar:

NM_007194.4(CHEK2):c.1118A>G (p.Lys373Arg)

Gene: CHEK2 (checkpoint kinase 2; minus strand). Cytogenetic location: 22q12.1.
Variant type: single nucleotide variant.
Coding change: c.1118A>G on transcript NM_007194.4 (MANE Select); coding-DNA position 1118, A replaced by G.
Protein change: p.Lys373Arg; replaces lysine 373 with arginine.
Molecular consequence: missense variant.
Genome position (GRCh38, 1-based): chr22:28,695,851, T>C on the plus strand (A>G on the coding strand, the complement: CHEK2 is on the minus strand). VCF-style: chr22-28695851-T-C. GRCh37 (hg19) VCF-style: chr22-29091839-T-C.
Other names: c.1247A>G, p.Lys416Arg (NM_001005735.3); c.455A>G, p.Lys152Arg (NM_001257387.3); c.917A>G, p.Lys306Arg (NM_001349956.3); c.1031A>G, p.Lys344Arg (NM_145862.3); short protein forms K373R, K306R, K416R, K344R, K152R.
Identifiers: ClinVar variation 185775 (VCV000185775.23), dbSNP rs786202446, ClinGen allele CA192894.

ClinVar aggregate classification (germline): Uncertain significance. Review status: criteria provided, multiple submitters, no conflicts (2 of 4 stars). 9 submissions from 9 submitters: Uncertain significance (8). 1 of the submissions does not count toward it. Last evaluated 2025-10-09.

Conditions:
Hereditary cancer-predisposing syndrome. Also called: Hereditary neoplastic syndrome; Neoplastic Syndromes, Hereditary; Tumor predisposition; Hereditary Cancer Syndrome. Identifiers: Orphanet 140162, MedGen C0027672, MeSH D009386, MONDO:0015356.
Hereditary breast ovarian cancer syndrome. Also called: Hereditary breast and ovarian cancer syndrome (HBOC); Breast and ovarian cancer; Hereditary breast and/or ovarian cancer syndrome; BRCA1- and BRCA2-Associated Hereditary Breast and Ovarian Cancer; Hereditary breast and ovarian cancer syndrome; Hereditary breast and ovarian cancer. Identifiers: Orphanet 145, MedGen C0677776, MeSH D061325, MONDO:0003582. Disease mechanism: loss of function.
Familial cancer of breast. Also called: BREAST CANCER, FAMILIAL; Hereditary breast cancer; hereditary breast carcinoma. Identifiers: Orphanet 227535, MedGen C0346153, MONDO:0016419, OMIM 114480. Disease mechanism: loss of function.

Allele frequency attached by ClinVar (database versions not stated): gnomAD exomes below 0.00001; gnomAD 0.00001; TOPMed 0.00001.
gnomAD v4.1: 2 of 1,613,500 alleles (0.00012%); highest among the groups gnomAD compares: Middle Eastern, 0.017%; no homozygotes.

Submissions (9):

Labcorp Genetics (formerly Invitae), Labcorp
Classification: Uncertain significance for Familial cancer of breast. Last evaluated: 2025-10-09. Review status: criteria provided, single submitter. Criteria: Invitae Variant Classification Sherloc (09022015). Collection method: clinical testing. Allele origin: germline.
Comment: This sequence change replaces lysine, which is basic and polar, with arginine, which is basic and polar, at codon 373 of the CHEK2 protein (p.Lys373Arg). This variant is not present in population databases (gnomAD no frequency). This variant has not been reported in the literature in individuals affected with CHEK2-related conditions. ClinVar contains an entry for this variant (Variation ID: 185775). An algorithm developed to predict the effect of missense changes on protein structure and function (PolyPhen-2) suggests that this variant is likely to be tolerated. Experimental studies have shown that this missense change does not substantially affect CHEK2 function (PMID: 30851065, 39146382). In summary, the available evidence is currently insufficient to determine the role of this variant in disease. Therefore, it has been classified as a Variant of Uncertain Significance.

Ambry Genetics
Classification: Uncertain significance for Hereditary cancer-predisposing syndrome. Last evaluated: 2025-06-12. Review status: criteria provided, single submitter. Criteria: Ambry Variant Classification Scheme 2023. Collection method: clinical testing. Allele origin: germline.
Comment: The p.K373R variant (also known as c.1118A>G), located in coding exon 10 of the CHEK2 gene, results from an A to G substitution at nucleotide position 1118. The lysine at codon 373 is replaced by arginine, an amino acid with highly similar properties. In another study, this alteration behaved as functional in an in vivo, yeast-based growth rate assay (Delimitsou A et al. Hum. Mutat., 2019 05;40:631-648). This amino acid position is highly conserved in available vertebrate species. In addition, this alteration is predicted to be tolerated by in silico analysis. Since supporting evidence is limited at this time, the clinical significance of this alteration remains unclear.

German Consortium for Hereditary Breast and Ovarian Cancer, University Hospital Cologne
Classification: Uncertain significance for Hereditary breast ovarian cancer syndrome. Last evaluated: 2024-06-11. Review status: criteria provided, single submitter. Criteria: ACMG Guidelines, 2015. Collection method: curation. Allele origin: germline.
Comment: According to the ACMG SVI adaptation criteria we chose these criteria: PM2 (supporting pathogenic): n=1 in gnomAD v3, BP4 (supporting benign): Revel ≤.249

Baylor Genetics
Classification: Uncertain significance for Familial cancer of breast. Last evaluated: 2023-09-05. Review status: criteria provided, single submitter. Criteria: ACMG Guidelines, 2015. Collection method: clinical testing. Allele origin: unknown.

GeneDx
Classification: Uncertain significance. Last evaluated: 2023-08-12. Review status: criteria provided, single submitter. Criteria: GeneDx Variant Classification Process June 2021. Collection method: clinical testing. Allele origin: germline. Affected: yes.
Comment: Reported in unrelated patients with breast cancer in published literature (Tung et al., 205; Gugliemi et al., 2021); Not observed at significant frequency in large population cohorts (gnomAD); In silico analysis supports that this missense variant does not alter protein structure/function; This variant is associated with the following publications: (PMID: 19782031, 22419737, 30851065, 25186627, 34299313)

Myriad Genetics, Inc.
Classification: Uncertain significance for Familial cancer of breast. Last evaluated: 2023-03-08. Review status: criteria provided, single submitter. Criteria: Myriad Autosomal Dominant, Autosomal Recessive and X-Linked Classification Criteria (2023). Collection method: clinical testing. Allele origin: unknown.
Comment: This variant is classified as a variant of uncertain significance as there is insufficient evidence to determine its impact on protein function and/or cancer risk.

Quest Diagnostics Nichols Institute San Juan Capistrano
Classification: Uncertain significance. Last evaluated: 2019-11-12. Review status: criteria provided, single submitter. Criteria: Quest Diagnostics criteria. Collection method: clinical testing. Allele origin: unknown.

Color Diagnostics, LLC DBA Color Health
Classification: Uncertain significance for Hereditary cancer-predisposing syndrome. Last evaluated: 2018-08-31. Review status: criteria provided, single submitter. Criteria: ACMG Guidelines, 2015. Collection method: clinical testing. Allele origin: germline.

Counsyl
Classification: Uncertain significance for Familial cancer of breast. Last evaluated: 2017-11-15. Review status: no assertion criteria provided. Collection method: clinical testing. Allele origin: unknown. Not counted in ClinVar's aggregate classification.

Literature cited by the submitters: PubMed 30851065 (cited by 3 submitters); PubMed 39146382 (cited by Labcorp Genetics (formerly Invitae), Labcorp); PubMed 25186627 (cited by 3 submitters); PubMed 37449874 (cited by Ambry Genetics).